The following is an entry in ClinVar:

NM_145200.5(CABP4):c.550C>T (p.Arg184Cys)

Gene: CABP4 (calcium binding protein 4; plus strand). Cytogenetic location: 11q13.2.
Variant type: single nucleotide variant.
Coding change: c.550C>T on transcript NM_145200.5 (MANE Select); coding-DNA position 550, C replaced by T.
Protein change: p.Arg184Cys; replaces arginine 184 with cysteine.
Molecular consequence: missense variant. On other transcripts: non-coding transcript variant (1).
Genome position (GRCh38, 1-based): chr11:67,457,581, C>T. VCF-style: chr11-67457581-C-T. GRCh37 (hg19) VCF-style: chr11-67225052-C-T.
Other names: c.235C>T, p.Arg79Cys (NM_001300895.3, NM_001300896.3, NM_001379183.1); short protein forms R184C, R79C.
Identifiers: ClinVar variation 1017974 (VCV001017974.7), dbSNP rs369700438, ClinGen allele CA6140276.
Genomic context (GRCh38, chr11:67,457,581, plus strand): 5'-GGGCTTCAGACCTTATGCCCTCACCATTGTGACACTCTTCCTGGGTCTGCAGTGGGCGGC[C>T]GTGTGGACTTTGAGGAGTTTGTAGAACTGATAGGCCCAAAGCTGAGGGAGGAGACGGCGC-3'
Protein context (NP_660201.1, residues 174-194): SQHIKMRMGG[Arg184Cys]VDFEEFVELI

ClinVar aggregate classification (germline): Conflicting classifications of pathogenicity. Review status: criteria provided, conflicting classifications (1 of 4 stars). 2 submissions from 2 submitters: Uncertain significance (1); Likely benign (1). Last evaluated 2024-12-02.

Allele frequency attached by ClinVar (database versions not stated): ESP Exome Variant Server 0.00008; gnomAD exomes 0.00010; ExAC 0.00026; gnomAD 0.00026 and 0.00027; TOPMed 0.00031; 1000 Genomes Project 0.00080; 1000 Genomes Project 30x 0.00109.
gnomAD v4.1: 150 of 1,588,280 alleles (0.0094%); highest among the groups gnomAD compares: African/African-American, 0.044%; no homozygotes.

Submissions (2):

Labcorp Genetics (formerly Invitae), Labcorp
Classification: Uncertain significance. Last evaluated: 2024-12-02. Review status: criteria provided, single submitter. Criteria: Invitae Variant Classification Sherloc (09022015). Collection method: clinical testing. Allele origin: germline.
Comment: This sequence change replaces arginine, which is basic and polar, with cysteine, which is neutral and slightly polar, at codon 184 of the CABP4 protein (p.Arg184Cys). This variant is present in population databases (rs369700438, gnomAD 0.06%). This variant has not been reported in the literature in individuals affected with CABP4-related conditions. ClinVar contains an entry for this variant (Variation ID: 1017974). Invitae Evidence Modeling of protein sequence and biophysical properties (such as structural, functional, and spatial information, amino acid conservation, physicochemical variation, residue mobility, and thermodynamic stability) indicates that this missense variant is not expected to disrupt CABP4 protein function with a negative predictive value of 80%. In summary, the available evidence is currently insufficient to determine the role of this variant in disease. Therefore, it has been classified as a Variant of Uncertain Significance.

Blueprint Genetics
Classification: Likely benign. Last evaluated: 2021-10-26. Review status: criteria provided, single submitter. Criteria: ACMG Guidelines, 2015. Collection method: clinical testing. Allele origin: germline.